The following is an entry in ClinVar:

ClinVar aggregate classification (germline): Uncertain significance (1 of 4 stars; one submission).

Conditions:
Lissencephaly 9 with complex brainstem malformation. Identifiers: Orphanet 572013, MedGen C5193029, MONDO:0032677, OMIM 618325.

Submission:

Laboratorio de Genetica e Diagnostico Molecular, Hospital Israelita Albert Einstein
Classification: Uncertain significance for Lissencephaly 9 with complex brainstem malformation. Last evaluated: 2025-01-25. Review status: criteria provided, single submitter. Criteria: ACMG Guidelines, 2015. Collection method: clinical testing. Allele origin: germline. Affected: yes.
Comment: ACMG classification criteria: PM2 supporting, PP2 supporting, PP3 supporting

NM_001394062.1(MACF1):c.362G>T (p.Arg121Leu)

Gene: MACF1 (microtubule actin crosslinking factor 1; plus strand). Cytogenetic location: 1p34.3.
Variant type: single nucleotide variant.
Coding change: c.362G>T on transcript NM_001394062.1 (MANE Select); coding-DNA position 362, G replaced by T.
Protein change: p.Arg121Leu; replaces arginine 121 with leucine.
Molecular consequence: missense variant.
Genome position (GRCh38, 1-based): chr1:39,254,302, G>T. VCF-style: chr1-39254302-G-T. GRCh37 (hg19) VCF-style: chr1-39719974-G-T.
Other names: c.377G>T, p.Arg126Leu (NM_012090.5); short protein forms R121L, R126L.
Identifiers: ClinVar variation 4056592 (VCV004056592.1).
Genomic context (GRCh38, chr1:39,254,302, plus strand): 5'-CTGTATGGTTAAATTGTGTAGCCAGAATTAACATCCCTTTTTTTGTTTGTTTGCAGCCCC[G>T]GGAGAAGGGCAGGATGCGTTTTCATAGGCTGCAGAATGTGCAGATTGCCCTGGACTTCCT-3'
Protein context (NP_001380991.1, residues 111-131): QAEEDDDDVP[Arg121Leu]EKGRMRFHRL